The following is an entry in ClinVar:

NM_000246.4(CIITA):c.2590C>T (p.Arg864Cys)

Gene: CIITA (class II major histocompatibility complex transactivator; plus strand). Cytogenetic location: 16p13.13.
Variant type: single nucleotide variant.
Coding change: c.2590C>T on transcript NM_000246.4 (MANE Select); coding-DNA position 2590, C replaced by T.
Protein change: p.Arg864Cys; replaces arginine 864 with cysteine.
Molecular consequence: missense variant. On other transcripts: intron variant (1).
Genome position (GRCh38, 1-based): chr16:10,908,082, C>T. VCF-style: chr16-10908082-C-T. GRCh37 (hg19) VCF-style: chr16-11001939-C-T.
Other names: c.2593C>T, p.Arg865Cys (NM_001286402.1, NM_001379332.1); c.2446C>T, p.Arg816Cys (NM_001379330.1); c.2443C>T, p.Arg815Cys (NM_001379331.1); c.2590C>T, p.Arg864Cys (NM_001379333.1); c.2521C>T, p.Arg841Cys (NM_001379334.1); c.860-901C>T (NM_001286403.2); short protein forms R815C, R816C, R841C, R864C, R865C.
Identifiers: ClinVar variation 2631996 (VCV002631996.1), dbSNP rs766316610, ClinGen allele CA7900411.

ClinVar aggregate classification (germline): Uncertain significance (1 of 4 stars; one submission).

Conditions:
CIITA-related disorder. Also called: CIITA-related condition.

Allele frequency attached by ClinVar (database versions not stated): gnomAD 0.00001; gnomAD exomes 0.00001; ExAC 0.00003.

Submission:

PreventionGenetics, part of Exact Sciences
Classification: Uncertain significance for CIITA-related condition. Last evaluated: 2023-02-06. Review status: criteria provided, single submitter. Criteria: ACMG Guidelines, 2015. Collection method: clinical testing. Allele origin: germline.
Comment: The CIITA c.2590C>T variant is predicted to result in the amino acid substitution p.Arg864Cys. To our knowledge, this variant has not been reported in the literature. This variant is reported in 0.0058% of alleles in individuals of Latino descent in gnomAD. At this time, the clinical significance of this variant is uncertain due to the absence of conclusive functional and genetic evidence.